The following is an entry in ClinVar:

NC_000015.10:g.(?_44648856)_(44663657_?)del

Gene: SPG11 (SPG11 vesicle trafficking associated, spatacsin; minus strand). Cytogenetic location: 15q21.1.
Variant type: Deletion.
Identifiers: ClinVar variation 832769 (VCV000832769.4).

ClinVar aggregate classification (germline): Pathogenic (1 of 4 stars; one submission).

Conditions:
Hereditary spastic paraplegia 11. Also called: Spastic paraplegia, mental retardation and thin corpus callosum; Nakamura Osame syndrome; Autosomal recessive hereditary spastic paraplegia, mental impairment, and thin corpus callosum; SPASTIC PARAPLEGIA, AUTOSOMAL RECESSIVE, COMPLICATED, WITH THIN CORPUS CALLOSUM; SPASTIC PARAPLEGIA, AUTOSOMAL RECESSIVE, WITH MENTAL IMPAIRMENT AND THIN CORPUS CALLOSUM; Spastic Paraplegia 11. Identifiers: Orphanet 2822, MedGen C1858479, MONDO:0011445, OMIM 604360.

Submission:

Labcorp Genetics (formerly Invitae), Labcorp
Classification: Pathogenic for Hereditary spastic paraplegia 11. Last evaluated: 2019-11-21. Review status: criteria provided, single submitter. Criteria: Invitae Variant Classification Sherloc (09022015). Collection method: clinical testing. Allele origin: germline.
Comment: This variant is a gross deletion of the genomic region encompassing exons 1-7 of the SPG11 gene, which includes the initiator codon. The 5' end of this event is unknown as it extends beyond the assayed region for this gene and therefore may encompass additional genes. The 3' boundary is likely confined to intron 7 of the SPG11 gene. This is expected to result in an absent or disrupted protein product. This variant has not been reported in the literature in individuals with SPG11-related conditions. Loss-of-function variants in SPG11 are known to be pathogenic (PMID: 19105190, 20110243, 22154821, 26556829). For these reasons, this variant has been classified as Pathogenic.

Literature cited by the submitters: PubMed 19105190; PubMed 20110243; PubMed 22154821; PubMed 26556829.